The following is an entry in ClinVar:

ClinVar aggregate classification (germline): Benign. Review status: criteria provided, multiple submitters, no conflicts (2 of 4 stars). 7 submissions from 7 submitters: Benign (7). Last evaluated 2026-05-09.

Allele frequency attached by ClinVar (database versions not stated): TOPMed 0.06836; ExAC 0.13202; ESP Exome Variant Server 0.03302; 1000 Genomes Project 30x 0.13929; 1000 Genomes Project 0.14696; gnomAD 0.06051; gnomAD exomes 0.10396.
gnomAD v4.1: 84,062 of 1,545,136 alleles (5.4%); highest among the groups gnomAD compares: East Asian, 34%; 5,074 homozygotes.

Submissions (7):

Women's Health and Genetics/Laboratory Corporation of America, LabCorp
Classification: Benign. Last evaluated: 2026-05-09. Review status: criteria provided, single submitter. Criteria: LabCorp Variant Classification Summary - May 2015. Collection method: clinical testing. Allele origin: germline.

Labcorp Genetics (formerly Invitae), Labcorp
Classification: Benign. Last evaluated: 2026-02-04. Review status: criteria provided, single submitter. Criteria: Invitae Variant Classification Sherloc (09022015). Collection method: clinical testing. Allele origin: germline.

Mayo Clinic Laboratories, Mayo Clinic
Classification: Benign. Last evaluated: 2022-05-09. Review status: criteria provided, single submitter. Criteria: ACMG Guidelines, 2015. Collection method: clinical testing. Allele origin: germline. Observed: 18 variant alleles.

GeneDx
Classification: Benign. Last evaluated: 2018-02-02. Review status: criteria provided, single submitter. Criteria: GeneDx Variant Classification (06012015). Collection method: clinical testing. Allele origin: germline. Affected: yes.
Comment: This variant is considered likely benign or benign based on one or more of the following criteria: it is a conservative change, it occurs at a poorly conserved position in the protein, it is predicted to be benign by multiple in silico algorithms, and/or has population frequency not consistent with disease.

Eurofins Ntd Llc (ga)
Classification: Benign. Last evaluated: 2014-10-20. Review status: criteria provided, single submitter. Criteria: EGL Classification Definitions 2015. Collection method: clinical testing. Allele origin: germline. Observed: 11 variant alleles, 11 heterozygotes.

Breakthrough Genomics
Classification: Benign. Review status: criteria provided, single submitter. Criteria: ACMG Guidelines, 2015. Collection method: not provided. Allele origin: germline. Inheritance: Autosomal recessive inheritance. Affected: yes.

PreventionGenetics, part of Exact Sciences
Classification: Benign. Review status: criteria provided, single submitter. Criteria: ACMG Guidelines, 2015. Collection method: clinical testing. Allele origin: germline.

NM_001853.4(COL9A3):c.129C>T (p.Pro43=)

Gene: COL9A3 (collagen type IX alpha 3 chain; plus strand). Cytogenetic location: 20q13.33.
Variant type: single nucleotide variant.
Coding change: c.129C>T on transcript NM_001853.4 (MANE Select); coding-DNA position 129, C replaced by T.
Protein change: p.Pro43=; no amino-acid change (proline 43 retained).
Molecular consequence: synonymous variant.
Genome position (GRCh38, 1-based): chr20:62,817,617, C>T. VCF-style: chr20-62817617-C-T. GRCh37 (hg19) VCF-style: chr20-61448969-C-T.
Other names: p.Pro43=; c.129C>T, p.Pro43= (LRG_1253t1).
Identifiers: ClinVar variation 195155 (VCV000195155.17), dbSNP rs2273079, ClinGen allele CA201602.